The following is an entry in ClinVar:

ClinVar aggregate classification (germline): Likely benign. Review status: criteria provided, multiple submitters, no conflicts (2 of 4 stars). 2 submissions from 2 submitters: Likely benign (2). Last evaluated 2026-05-01.

Conditions:
ZBTB47-related condition.

gnomAD v4.1: 6,807 of 1,479,238 alleles (0.46%); highest among the groups gnomAD compares: Non-Finnish European, 0.55%; 22 homozygotes.

Submissions (2):

CeGaT Center for Human Genetics Tuebingen
Classification: Likely benign. Last evaluated: 2026-05-01. Review status: criteria provided, single submitter. Criteria: CeGaT Center For Human Genetics Tuebingen Variant Classification Criteria Version 2. Collection method: clinical testing. Allele origin: germline. Affected: yes. Observed: 5 variant alleles.
Comment: ZBTB47: BS2

PreventionGenetics, part of Exact Sciences
Classification: Likely benign for ZBTB47-related condition. Last evaluated: 2025-10-14. Review status: criteria provided, single submitter. Criteria: ACMG Guidelines, 2015. Collection method: clinical testing. Allele origin: germline.
Comment: This variant is classified as likely benign based on ACMG/AMP sequence variant interpretation guidelines (Richards et al. 2015 PMID: 25741868, with internal and published modifications).

NM_145166.4(ZBTB47):c.850G>A (p.Glu284Lys)

Gene: ZBTB47 (zinc finger and BTB domain containing 47; plus strand). Cytogenetic location: 3p22.1.
Variant type: single nucleotide variant.
Coding change: c.850G>A on transcript NM_145166.4 (MANE Select); coding-DNA position 850, G replaced by A.
Protein change: p.Glu284Lys; replaces glutamic acid 284 with lysine.
Molecular consequence: missense variant.
Genome position (GRCh38, 1-based): chr3:42,659,205, G>A. VCF-style: chr3-42659205-G-A. GRCh37 (hg19) VCF-style: chr3-42700697-G-A.
Other names: c.850G>A (NM_145166.3); c.934G>A, p.Glu312Lys (NM_001410746.1); short protein forms E284K, E312K.
Identifiers: ClinVar variation 3898069 (VCV003898069.8).